The following is an entry in ClinVar:

NM_004333.6(BRAF):c.157A>G (p.Met53Val)

Gene: BRAF (B-Raf proto-oncogene, serine/threonine kinase; minus strand). Cytogenetic location: 7q34.
Variant type: single nucleotide variant.
Coding change: c.157A>G on transcript NM_004333.6 (MANE Select); coding-DNA position 157, A replaced by G.
Protein change: p.Met53Val; replaces methionine 53 with valine.
Molecular consequence: missense variant. On other transcripts: initiator codon variant (2), intron variant (1).
Genome position (GRCh38, 1-based): chr7:140,850,194, T>C on the plus strand (A>G on the coding strand, the complement: BRAF is on the minus strand). VCF-style: chr7-140850194-T-C. GRCh37 (hg19) VCF-style: chr7-140549994-T-C.
Other names: c.1A>G, p.Met1Val (NM_001378472.1, NM_001378473.1); c.157A>G, p.Met53Val (NM_001378474.1, NM_001378475.1, NM_001354609.2 and 6 more transcripts); c.139-15322A>G (NM_001378470.1); short protein forms M1V, M53V.
Identifiers: ClinVar variation 2725487 (VCV002725487.3), dbSNP rs2536570234, ClinGen allele CA369588036.

ClinVar aggregate classification (germline): Uncertain significance (1 of 4 stars; one submission).

Conditions:
RASopathy. Also called: rasopathies; Noonan spectrum disorder. Identifiers: Orphanet 536391, MedGen C5555857, MONDO:0021060.

Submission:

Labcorp Genetics (formerly Invitae), Labcorp
Classification: Uncertain significance for RASopathy. Last evaluated: 2023-07-06. Review status: criteria provided, single submitter. Criteria: Invitae Variant Classification Sherloc (09022015). Collection method: clinical testing. Allele origin: germline.
Comment: In summary, the available evidence is currently insufficient to determine the role of this variant in disease. Therefore, it has been classified as a Variant of Uncertain Significance. Advanced modeling of protein sequence and biophysical properties (such as structural, functional, and spatial information, amino acid conservation, physicochemical variation, residue mobility, and thermodynamic stability) performed at Invitae indicates that this missense variant is not expected to disrupt BRAF protein function. This variant has not been reported in the literature in individuals affected with BRAF-related conditions. This variant is not present in population databases (gnomAD no frequency). This sequence change replaces methionine, which is neutral and non-polar, with valine, which is neutral and non-polar, at codon 53 of the BRAF protein (p.Met53Val).